The following is an entry in ClinVar:

NM_005337.5(NCKAP1L):c.3085A>G (p.Asn1029Asp)

Gene: NCKAP1L (NCK associated protein 1 like; plus strand). Cytogenetic location: 12q13.2.
Variant type: single nucleotide variant.
Coding change: c.3085A>G on transcript NM_005337.5 (MANE Select); coding-DNA position 3085, A replaced by G.
Protein change: p.Asn1029Asp; replaces asparagine 1029 with aspartic acid.
Molecular consequence: missense variant.
Genome position (GRCh38, 1-based): chr12:54,536,955, A>G. VCF-style: chr12-54536955-A-G. GRCh37 (hg19) VCF-style: chr12-54930739-A-G.
Other names: c.2935A>G, p.Asn979Asp (NM_001184976.2); short protein forms N1029D, N979D.
Identifiers: ClinVar variation 2301981 (VCV002301981.3), dbSNP rs769178061, ClinGen allele CA6609638.

ClinVar aggregate classification (germline): Uncertain significance. Review status: criteria provided, multiple submitters, no conflicts (2 of 4 stars). 2 submissions from 2 submitters: Uncertain significance (2). Last evaluated 2025-06-17.

Allele frequency attached by ClinVar (database versions not stated): ExAC 0.00002.
gnomAD v4.1: 5 of 1,611,062 alleles (0.00031%); highest among the groups gnomAD compares: African/African-American, 0.004%; no homozygotes.

Submissions (2):

Labcorp Genetics (formerly Invitae), Labcorp
Classification: Uncertain significance. Last evaluated: 2025-06-17. Review status: criteria provided, single submitter. Criteria: Invitae Variant Classification Sherloc (09022015). Collection method: clinical testing. Allele origin: germline.
Comment: This sequence change replaces asparagine, which is neutral and polar, with aspartic acid, which is acidic and polar, at codon 1029 of the NCKAP1L protein (p.Asn1029Asp). This variant is present in population databases (rs769178061, gnomAD 0.02%). This variant has not been reported in the literature in individuals affected with NCKAP1L-related conditions. ClinVar contains an entry for this variant (Variation ID: 2301981). An algorithm developed to predict the effect of missense changes on protein structure and function (PolyPhen-2) suggests that this variant is likely to be disruptive. In summary, the available evidence is currently insufficient to determine the role of this variant in disease. Therefore, it has been classified as a Variant of Uncertain Significance.

Ambry Genetics
Classification: Uncertain significance. Last evaluated: 2022-07-14. Review status: criteria provided, single submitter. Criteria: Ambry Variant Classification Scheme 2023. Collection method: clinical testing. Allele origin: germline.